The following is an entry in ClinVar:

ClinVar aggregate classification (germline): Conflicting classifications of pathogenicity. Review status: criteria provided, conflicting classifications (1 of 4 stars). 2 submissions from 2 submitters: Uncertain significance (1); Likely benign (1). Last evaluated 2026-04-07.

Conditions:
SNRNP200-related disorder. Also called: SNRNP200-related condition.

Allele frequency attached by ClinVar (database versions not stated): TOPMed below 0.00001; gnomAD 0.00001.

Submissions (2):

PreventionGenetics, part of Exact Sciences
Classification: Uncertain significance for SNRNP200-related condition. Last evaluated: 2026-04-07. Review status: criteria provided, single submitter. Criteria: ACMG Guidelines, 2015. Collection method: clinical testing. Allele origin: germline.
Comment: The SNRNP200 c.5191T>A variant is predicted to result in the amino acid substitution p.Cys1731Ser. To our knowledge, this variant has not been reported in the literature. This variant is present in 0.00088% of alleles in individuals of European (Non-Finnish) descent in gnomAD. At this time, the clinical significance of this variant is uncertain due to the absence of conclusive functional and genetic evidence.

Labcorp Genetics (formerly Invitae), Labcorp
Classification: Likely benign. Last evaluated: 2026-01-24. Review status: criteria provided, single submitter. Criteria: Invitae Variant Classification Sherloc (09022015). Collection method: clinical testing. Allele origin: germline.

NM_014014.5(SNRNP200):c.5191T>A (p.Cys1731Ser)

Genes: SNRNP200 (small nuclear ribonucleoprotein U5 subunit 200; minus strand), LOC126806272 (BRD4-independent group 4 enhancer GRCh37_chr2:96944520-96945719; plus strand). Cytogenetic location: 2q11.2.
Variant type: single nucleotide variant.
Coding change: c.5191T>A on transcript NM_014014.5 (MANE Select); coding-DNA position 5191, T replaced by A.
Protein change: p.Cys1731Ser; replaces cysteine 1731 with serine.
Molecular consequence: missense variant.
Genome position (GRCh38, 1-based): chr2:96,278,941, A>T on the plus strand (T>A on the coding strand, the complement: SNRNP200 is on the minus strand). VCF-style: chr2-96278941-A-T. GRCh37 (hg19) VCF-style: chr2-96944679-A-T.
Other names: c.5191T>A (NM_014014.4); short protein forms C1731S.
Identifiers: ClinVar variation 1918880 (VCV001918880.6), dbSNP rs1438133629, ClinGen allele CA347660279.
Genomic context (GRCh38, chr2:96,278,941, plus strand): 5'-CATCCTGCTTGTTCTCAATGGTCTTGGTGACGATCTCAGCATTGAAGTGGTCATGCATAC[A>T]GTGGTCCAGGTGAGATTCTACTGGCAATGGCTCATATAAGAACTTCTTGAAGAAATCCTG-3'
Protein context (NP_054733.2, residues 1721-1741): PLPVESHLDH[Cys1731Ser]MHDHFNAEIV